The following is an entry in ClinVar:

NM_025137.4(SPG11):c.6677G>C (p.Ser2226Thr)

Gene: SPG11 (SPG11 vesicle trafficking associated, spatacsin; minus strand). Cytogenetic location: 15q21.1.
Variant type: single nucleotide variant.
Coding change: c.6677G>C on transcript NM_025137.4 (MANE Select); coding-DNA position 6677, G replaced by C.
Protein change: p.Ser2226Thr; replaces serine 2226 with threonine.
Molecular consequence: missense variant.
Genome position (GRCh38, 1-based): chr15:44,567,501, C>G on the plus strand (G>C on the coding strand, the complement: SPG11 is on the minus strand). VCF-style: chr15-44567501-C-G. GRCh37 (hg19) VCF-style: chr15-44859699-C-G.
Other names: c.6338G>C, p.Ser2113Thr (NM_001160227.2); c.6533G>C, p.Ser2178Thr (NM_001411132.1); short protein forms S2113T, S2178T, S2226T.
Identifiers: ClinVar variation 3777276 (VCV003777276.1).

ClinVar aggregate classification (germline): Uncertain significance (1 of 4 stars; one submission).

Submission:

GeneDx
Classification: Uncertain significance. Last evaluated: 2024-10-14. Review status: criteria provided, single submitter. Criteria: GeneDx Variant Classification Process June 2021. Collection method: clinical testing. Allele origin: germline. Affected: yes.
Comment: Not observed at significant frequency in large population cohorts (gnomAD); In silico analysis indicates that this missense variant does not alter protein structure/function; Has not been previously published as pathogenic or benign to our knowledge